The following is an entry in ClinVar:

ClinVar aggregate classification (germline): Uncertain significance. Review status: criteria provided, multiple submitters, no conflicts (2 of 4 stars). 2 submissions from 2 submitters: Uncertain significance (2). Last evaluated 2024-04-10.

Conditions:
Genitopatellar syndrome (GTPTS). Also called: Genitopatellar syndrome (GPS); ABSENT PATELLAE, SCROTAL HYPOPLASIA, RENAL ANOMALIES, FACIAL DYSMORPHISM, AND MENTAL RETARDATION. Identifiers: Orphanet 85201, MedGen C1853566, MONDO:0011640, OMIM 606170.
Blepharophimosis - intellectual disability syndrome, SBBYS type (SBBYSS). Also called: Say-Barber-Biesecker variant of Ohdo syndrome (SBBYSS); Say-Barber-Biesecker-Young-Simpson syndrome; Say-Barber-Biesecker-Young-Simpson variant of Ohdo Syndrome; Say-Barber-Biesecker Variant of Ohdo Syndrome; Ohdo syndrome, SBBYS variant; SBBYSS syndrome. Identifiers: Orphanet 3047, MedGen C1863557, MONDO:0011365, OMIM 603736.

Allele frequency attached by ClinVar (database versions not stated): gnomAD exomes below 0.00001; TOPMed below 0.00001; gnomAD 0.00001.
gnomAD v4.1: 3 of 1,613,864 alleles (0.00019%); highest among the groups gnomAD compares: Non-Finnish European, 0.00025%; no homozygotes.

Submissions (2):

Fulgent Genetics
Classification: Uncertain significance for Blepharophimosis - intellectual disability syndrome, SBBYS type; Genitopatellar syndrome. Last evaluated: 2024-04-10. Review status: criteria provided, single submitter. Criteria: ACMG Guidelines, 2015. Collection method: clinical testing. Allele origin: germline.

GeneDx
Classification: Uncertain significance. Last evaluated: 2022-01-27. Review status: criteria provided, single submitter. Criteria: GeneDx Variant Classification Process June 2021. Collection method: clinical testing. Allele origin: germline. Affected: yes.
Comment: Not observed at significant frequency in large population cohorts (gnomAD); In silico analysis supports that this missense variant has a deleterious effect on protein structure/function; Has not been previously published as pathogenic or benign to our knowledge

NM_012330.4(KAT6B):c.802G>A (p.Glu268Lys)

Gene: KAT6B (lysine acetyltransferase 6B; plus strand). Cytogenetic location: 10q22.2.
Variant type: single nucleotide variant.
Coding change: c.802G>A on transcript NM_012330.4 (MANE Select); coding-DNA position 802, G replaced by A.
Protein change: p.Glu268Lys; replaces glutamic acid 268 with lysine.
Molecular consequence: missense variant. On other transcripts: intron variant (2).
Genome position (GRCh38, 1-based): chr10:74,969,731, G>A. VCF-style: chr10-74969731-G-A. GRCh37 (hg19) VCF-style: chr10-76729489-G-A.
Other names: c.802G>A, p.Glu268Lys (NM_001256468.2, NM_001256469.2, NM_001370132.1 and 10 more transcripts); c.193-9493G>A (NM_001370134.1); c.192+9653G>A (NM_001370135.1); short protein forms E268K.
Identifiers: ClinVar variation 1699782 (VCV001699782.3), dbSNP rs1427379278, ClinGen allele CA377281835.